The following is an entry in ClinVar:

ClinVar aggregate classification (germline): Uncertain significance (1 of 4 stars; one submission).

gnomAD v4.1: 23 of 1,614,022 alleles (0.0014%); highest among the groups gnomAD compares: East Asian, 0.013%; no homozygotes.

Submission:

Labcorp Genetics (formerly Invitae), Labcorp
Classification: Uncertain significance. Last evaluated: 2024-06-17. Review status: criteria provided, single submitter. Criteria: Invitae Variant Classification Sherloc (09022015). Collection method: clinical testing. Allele origin: germline.
Comment: This sequence change replaces arginine, which is basic and polar, with tryptophan, which is neutral and slightly polar, at codon 122 of the NPAT protein (p.Arg122Trp). This variant is present in population databases (rs199851567, gnomAD 0.05%). This variant has not been reported in the literature in individuals affected with NPAT-related conditions. Algorithms developed to predict the effect of missense changes on protein structure and function output the following: SIFT: "Not Available"; PolyPhen-2: "Probably Damaging"; Align-GVGD: "Not Available". The tryptophan amino acid residue is found in multiple mammalian species, which suggests that this missense change does not adversely affect protein function. In summary, the available evidence is currently insufficient to determine the role of this variant in disease. Therefore, it has been classified as a Variant of Uncertain Significance.

NM_002519.3(NPAT):c.364C>T (p.Arg122Trp)

Gene: NPAT (nuclear protein, coactivator of histone transcription; minus strand). Cytogenetic location: 11q22.3.
Variant type: single nucleotide variant.
Coding change: c.364C>T on transcript NM_002519.3 (MANE Select); coding-DNA position 364, C replaced by T.
Protein change: p.Arg122Trp; replaces arginine 122 with tryptophan.
Molecular consequence: missense variant.
Genome position (GRCh38, 1-based): chr11:108,189,298, G>A on the plus strand (C>T on the coding strand, the complement: NPAT is on the minus strand). VCF-style: chr11-108189298-G-A. GRCh37 (hg19) VCF-style: chr11-108060025-G-A.
Other names: c.364C>T, p.Arg122Trp (NM_001321307.1); short protein forms R122W.
Identifiers: ClinVar variation 3711258 (VCV003711258.2).
Genomic context (GRCh38, chr11:108,189,298, plus strand): 5'-AAGGTAAAGTGAGCAACTCTGCACTGGCTGGAGCTGTTTGAGATGCAAGCTTTCTCTGCC[G>A]TTTGATTTCTGCAATTCCAGTTCTCGTTCGGGCTGAAACATATAAGCATTTAAAAAACAA-3'
Protein context (NP_002510.2, residues 112-132): RTRTGIAEIK[Arg122Trp]QRKLASQTAP